The following is an entry in ClinVar:

ClinVar aggregate classification (germline): Likely benign (1 of 4 stars; one submission).

Allele frequency attached by ClinVar (database versions not stated): gnomAD 0.00453 and 0.00475; 1000 Genomes Project 0.00519; TOPMed 0.00538; 1000 Genomes Project 30x 0.00547.
gnomAD v4.1: 686 of 152,388 alleles (0.45%); highest among the groups gnomAD compares: African/African-American, 1.5%; 9 homozygotes.

Submission:

GeneDx
Classification: Likely benign. Last evaluated: 2018-06-16. Review status: criteria provided, single submitter. Criteria: GeneDx Variant Classification (06012015). Collection method: clinical testing. Allele origin: germline. Affected: yes.
Comment: This variant is considered likely benign or benign based on one or more of the following criteria: it is a conservative change, it occurs at a poorly conserved position in the protein, it is predicted to be benign by multiple in silico algorithms, and/or has population frequency not consistent with disease.

NM_006514.4(SCN10A):c.3088-218A>C

Genes: SCN10A (sodium voltage-gated channel alpha subunit 10; minus strand), LOC110121288 (VISTA enhancer hs2268; plus strand). Cytogenetic location: 3p22.2.
Variant type: single nucleotide variant.
Coding change: c.3088-218A>C on transcript NM_006514.4 (MANE Select); 218 bases into the intron before coding-DNA position 3088, A replaced by C.
Molecular consequence: intron variant.
Genome position (GRCh38, 1-based): chr3:38,725,532, T>G on the plus strand (A>C on the coding strand, the complement: SCN10A is on the minus strand). VCF-style: chr3-38725532-T-G. GRCh37 (hg19) VCF-style: chr3-38767023-T-G.
Other names: c.2794-218A>C (NM_001293307.2); c.3088-221A>C (NM_001293306.2).
Identifiers: ClinVar variation 676377 (VCV000676377.1), dbSNP rs79868348, ClinGen allele CA72959824.